The following is an entry in ClinVar:

ClinVar aggregate classification (germline): Likely benign (1 of 4 stars; one submission).

Submission:

GeneDx
Classification: Likely benign. Last evaluated: 2013-11-06. Review status: criteria provided, single submitter. Criteria: GeneDx Variant Classification (06012015). Collection method: clinical testing. Allele origin: germline. Affected: yes.
Comment: This variant is considered likely benign or benign based on one or more of the following criteria: it is a conservative change, it occurs at a poorly conserved position in the protein, it is predicted to be benign by multiple in silico algorithms, and/or has population frequency not consistent with disease.

NM_001184880.2(PCDH19):c.2588T>G (p.Leu863Arg)

Genes: PCDH19 (protocadherin 19; minus strand), LOC125467768 (CDK7 strongly-dependent group 2 enhancer GRCh37_chrX:99657381-99658580; plus strand). Cytogenetic location: Xq22.1.
Variant type: single nucleotide variant.
Coding change: c.2588T>G on transcript NM_001184880.2 (MANE Select); coding-DNA position 2588, T replaced by G.
Protein change: p.Leu863Arg; replaces leucine 863 with arginine.
Molecular consequence: missense variant.
Genome position (GRCh38, 1-based): chrX:100,402,552, A>C on the plus strand (T>G on the coding strand, the complement: PCDH19 is on the minus strand). VCF-style: chrX-100402552-A-C. GRCh37 (hg19) VCF-style: chrX-99657550-A-C.
Other names: p.L816R:CTG>CGG; c.2447T>G, p.Leu816Arg (NM_001105243.2, NM_020766.3); short protein forms L816R, L863R.
Identifiers: ClinVar variation 206303 (VCV000206303.1), dbSNP rs796052792, ClinGen allele CA316266.
Genomic context (GRCh38, chrX:100,402,552, plus strand): 5'-AGAACCTCACAGAGCCACTTAGCTGCACTCACCTCAGGCAGAGGCACACCGTTGATAATC[A>C]GGTCAGGCTGCTGGGGCCCCTGGCTGTTGAAAGAGTGATGGTAGATGTGGTTAGCACTGG-3'
Protein context (NP_001171809.1, residues 853-873): FNSQGPQQPD[Leu863Arg]IINGVPLPET